The following is an entry in ClinVar:

ClinVar aggregate classification (germline): Uncertain significance. Review status: criteria provided, multiple submitters, no conflicts (2 of 4 stars). 2 submissions from 2 submitters: Uncertain significance (2). Last evaluated 2024-05-29.

Conditions:
Inborn genetic diseases. Identifiers: MedGen C0950123, MeSH D030342.

Allele frequency attached by ClinVar (database versions not stated): ExAC 0.00002; gnomAD exomes 0.00002; gnomAD 0.00003; TOPMed 0.00003.
gnomAD v4.1: 33 of 1,613,842 alleles (0.002%); highest among the groups gnomAD compares: East Asian, 0.018%; no homozygotes.

Submissions (2):

Ambry Genetics
Classification: Uncertain significance for Inborn genetic diseases. Last evaluated: 2024-05-29. Review status: criteria provided, single submitter. Criteria: Ambry Variant Classification Scheme 2023. Collection method: clinical testing. Allele origin: germline.

Labcorp Genetics (formerly Invitae), Labcorp
Classification: Uncertain significance. Last evaluated: 2024-04-04. Review status: criteria provided, single submitter. Criteria: Invitae Variant Classification Sherloc (09022015). Collection method: clinical testing. Allele origin: germline.
Comment: This sequence change replaces asparagine, which is neutral and polar, with serine, which is neutral and polar, at codon 3258 of the VPS13D protein (p.Asn3258Ser). This variant is present in population databases (rs755668539, gnomAD 0.03%). This variant has not been reported in the literature in individuals affected with VPS13D-related conditions. Advanced modeling of protein sequence and biophysical properties (such as structural, functional, and spatial information, amino acid conservation, physicochemical variation, residue mobility, and thermodynamic stability) performed at Invitae indicates that this missense variant is not expected to disrupt VPS13D protein function with a negative predictive value of 80%. In summary, the available evidence is currently insufficient to determine the role of this variant in disease. Therefore, it has been classified as a Variant of Uncertain Significance.

NM_015378.4(VPS13D):c.9773A>G (p.Asn3258Ser)

Gene: VPS13D (vacuolar protein sorting 13 homolog D; plus strand). Cytogenetic location: 1p36.22.
Variant type: single nucleotide variant.
Coding change: c.9773A>G on transcript NM_015378.4 (MANE Select); coding-DNA position 9773, A replaced by G.
Protein change: p.Asn3258Ser; replaces asparagine 3258 with serine.
Molecular consequence: missense variant.
Genome position (GRCh38, 1-based): chr1:12,355,992, A>G. VCF-style: chr1-12355992-A-G. GRCh37 (hg19) VCF-style: chr1-12416049-A-G.
Other names: c.9773A>G (NM_015378.2); c.9698A>G, p.Asn3233Ser (NM_018156.4); short protein forms N3233S, N3258S.
Identifiers: ClinVar variation 3003921 (VCV003003921.4), dbSNP rs755668539, ClinGen allele CA603503.